The following is an entry in ClinVar:

ClinVar aggregate classification (germline): Uncertain significance (1 of 4 stars; one submission).

Conditions:
Hereditary cancer-predisposing syndrome. Also called: Hereditary neoplastic syndrome; Neoplastic Syndromes, Hereditary; Tumor predisposition; Hereditary Cancer Syndrome. Identifiers: Orphanet 140162, MedGen C0027672, MeSH D009386, MONDO:0015356.

Submission:

Ambry Genetics
Classification: Uncertain significance for Hereditary cancer-predisposing syndrome. Last evaluated: 2025-03-02. Review status: criteria provided, single submitter. Criteria: Ambry Variant Classification Scheme 2023. Collection method: clinical testing. Allele origin: germline.
Comment: The p.P1142A variant (also known as c.3424C>G), located in coding exon 21 of the ALK gene, results from a C to G substitution at nucleotide position 3424. The proline at codon 1142 is replaced by alanine, an amino acid with highly similar properties. This amino acid position is conserved. In addition, the in silico prediction for this alteration is inconclusive. Based on the available evidence, the clinical significance of this variant remains unclear.

NM_004304.5(ALK):c.3424C>G (p.Pro1142Ala)

Gene: ALK (ALK receptor tyrosine kinase; minus strand). Cytogenetic location: 2p23.2.
Variant type: single nucleotide variant.
Coding change: c.3424C>G on transcript NM_004304.5 (MANE Select); coding-DNA position 3424, C replaced by G.
Protein change: p.Pro1142Ala; replaces proline 1142 with alanine.
Molecular consequence: missense variant.
Genome position (GRCh38, 1-based): chr2:29,222,543, G>C on the plus strand (C>G on the coding strand, the complement: ALK is on the minus strand). VCF-style: chr2-29222543-G-C. GRCh37 (hg19) VCF-style: chr2-29445409-G-C.
Other names: c.220C>G, p.Pro74Ala (NM_001353765.2); short protein forms P74A, P1142A.
Identifiers: ClinVar variation 3855999 (VCV003855999.1).
Genomic context (GRCh38, chr2:29,222,543, plus strand): 5'-CCAAGGGCAGGCTCAAGAGTGAGCCACTTCTTACCTTCACAGCCACTTGCAGGGGGCTTG[G>C]GTCGTTGGGCATTCCGGACACCTGGCCTTCATACACCTCCCCAAAGGCGCCATGGCCCAG-3'
Protein context (NP_004295.2, residues 1132-1152): EGQVSGMPND[Pro1142Ala]SPLQVAVKTL